The following is an entry in ClinVar:

ClinVar aggregate classification (germline): Benign/Likely benign. Review status: criteria provided, multiple submitters, no conflicts (2 of 4 stars). 7 submissions from 7 submitters: Benign (4); Likely benign (3). Last evaluated 2026-09-01.

Conditions:
KIF1C-related disorder. Also called: KIF1C-related condition.
Hereditary spastic paraplegia. Also called: Familial spastic paraparesis. Identifiers: Orphanet 685, MedGen C0037773, MONDO:0019064. Disease mechanism: loss of function.
Spastic ataxia 2. Also called: Ataxia, spastic, 2, autosomal recessive. Identifiers: Orphanet 397946, MedGen C1969796, MONDO:0012651, OMIM 611302.

Allele frequency attached by ClinVar (database versions not stated): 1000 Genomes Project 0.00160; 1000 Genomes Project 30x 0.00187; gnomAD 0.00390 and 0.00398; TOPMed 0.00430; gnomAD exomes 0.00445 and 0.00529; ExAC 0.00458; ESP Exome Variant Server 0.00477.
gnomAD v4.1: 8,375 of 1,614,222 alleles (0.52%); highest among the groups gnomAD compares: Middle Eastern, 1.1%; 37 homozygotes.

Submissions (7):

CeGaT Center for Human Genetics Tuebingen
Classification: Likely benign. Last evaluated: 2026-09-01. Review status: criteria provided, single submitter. Criteria: CeGaT Center For Human Genetics Tuebingen Variant Classification Criteria Version 2. Collection method: clinical testing. Allele origin: germline. Affected: yes. Observed: 44 variant alleles.
Comment: KIF1C: BP4, BP7, BS2

Labcorp Genetics (formerly Invitae), Labcorp
Classification: Benign for Spastic ataxia 2. Last evaluated: 2026-02-02. Review status: criteria provided, single submitter. Criteria: Invitae Variant Classification Sherloc (09022015). Collection method: clinical testing. Allele origin: germline.

PreventionGenetics, part of Exact Sciences
Classification: Benign for KIF1C-related condition. Last evaluated: 2025-09-09. Review status: criteria provided, single submitter. Criteria: ACMG Guidelines, 2015. Collection method: clinical testing. Allele origin: germline.
Comment: This variant is classified as benign based on ACMG/AMP sequence variant interpretation guidelines (Richards et al. 2015 PMID: 25741868, with internal and published modifications).

Mayo Clinic Laboratories, Mayo Clinic
Classification: Benign. Last evaluated: 2023-11-07. Review status: criteria provided, single submitter. Criteria: ACMG Guidelines, 2015. Collection method: clinical testing. Allele origin: germline. Observed: 6 variant alleles.
Comment: BA1, BP4, BP7

Genome Diagnostics Laboratory, The Hospital for Sick Children
Classification: Benign for Hereditary spastic paraplegia. Last evaluated: 2021-11-12. Review status: criteria provided, single submitter. Criteria: ACMG Guidelines, 2015. Collection method: clinical testing. Allele origin: germline. Affected: yes.

GeneDx
Classification: Likely benign. Last evaluated: 2021-01-04. Review status: criteria provided, single submitter. Criteria: GeneDx Variant Classification Process June 2021. Collection method: clinical testing. Allele origin: germline. Affected: yes.

Breakthrough Genomics
Classification: Likely benign. Review status: criteria provided, single submitter. Criteria: ACMG Guidelines, 2015. Collection method: not provided. Allele origin: germline. Inheritance: Autosomal recessive inheritance. Affected: yes.

NM_006612.6(KIF1C):c.1815G>A (p.Leu605=)

Genes: KIF1C (kinesin family member 1C; plus strand), LOC126862473 (CDK7 strongly-dependent group 2 enhancer GRCh37_chr17:4923264-4924463; plus strand). Cytogenetic location: 17p13.2.
Variant type: single nucleotide variant.
Coding change: c.1815G>A on transcript NM_006612.6 (MANE Select); coding-DNA position 1815, G replaced by A.
Protein change: p.Leu605=; no amino-acid change (leucine 605 retained).
Molecular consequence: synonymous variant.
Genome position (GRCh38, 1-based): chr17:5,020,556, G>A. VCF-style: chr17-5020556-G-A. GRCh37 (hg19) VCF-style: chr17-4923851-G-A.
Other names: p.Leu605=.
Identifiers: ClinVar variation 385064 (VCV000385064.90), dbSNP rs78356534, ClinGen allele CA8319124.